The following is an entry in ClinVar:

NM_000128.4(F11):c.1304+12G>A

Gene: F11 (coagulation factor XI; plus strand). Cytogenetic location: 4q35.2.
Variant type: single nucleotide variant.
Coding change: c.1304+12G>A on transcript NM_000128.4 (MANE Select); 12 bases into the intron after coding-DNA position 1304, G replaced by A.
Molecular consequence: intron variant.
Genome position (GRCh38, 1-based): chr4:186,284,272, G>A. VCF-style: chr4-186284272-G-A. GRCh37 (hg19) VCF-style: chr4-187205426-G-A.
Other names: p.?.
Identifiers: ClinVar variation 903592 (VCV000903592.20), dbSNP rs116667976, ClinGen allele CA3163948.

ClinVar aggregate classification (germline): Conflicting classifications of pathogenicity. Review status: criteria provided, conflicting classifications (1 of 4 stars). 8 submissions from 8 submitters: Uncertain significance (2); Benign (1); Likely benign (3). 2 of the submissions do not count toward it. Last evaluated 2026-01-31.

Conditions:
F11-related disorder. Also called: F11-related condition.
Hereditary factor XI deficiency disease. Also called: PLASMA THROMBOPLASTIN ANTECEDENT DEFICIENCY; Congenital factor XI deficiency; PTA DEFICIENCY; ROSENTHAL SYNDROME. Identifiers: Orphanet 329, MedGen C0015523, MeSH D005173, MONDO:0012897, OMIM 612416.
Plasma factor XI deficiency.

Allele frequency attached by ClinVar (database versions not stated): 1000 Genomes Project 0.00240; gnomAD exomes 0.00436 and 0.00320; 1000 Genomes Project 30x 0.00281; gnomAD 0.00295 and 0.00310; TOPMed 0.00309; ExAC 0.00396; ESP Exome Variant Server 0.00408.
gnomAD v4.1: 6,811 of 1,605,214 alleles (0.42%); highest among the groups gnomAD compares: South Asian, 0.52%; 17 homozygotes.

Submissions (8):

Labcorp Genetics (formerly Invitae), Labcorp
Classification: Benign. Last evaluated: 2026-01-31. Review status: criteria provided, single submitter. Criteria: Invitae Variant Classification Sherloc (09022015). Collection method: clinical testing. Allele origin: germline.

Mayo Clinic Laboratories, Mayo Clinic
Classification: Likely benign. Last evaluated: 2025-07-01. Review status: criteria provided, single submitter. Criteria: ACMG Guidelines, 2015. Collection method: clinical testing. Allele origin: germline. Observed: 1 variant allele.
Comment: BS1_supporting, BS4_supporting, BP4, BP7, PS4_supporting

Blueprint Genetics
Classification: Likely benign. Last evaluated: 2024-11-25. Review status: criteria provided, single submitter. Criteria: ACMG Guidelines, 2015. Collection method: clinical testing. Allele origin: germline.

Mendelics
Classification: Uncertain significance. Last evaluated: 2022-05-04. Review status: criteria provided, single submitter. Criteria: Mendelics Assertion Criteria 2019. Collection method: clinical testing. Allele origin: germline.

Baylor Genetics
Classification: Uncertain significance for Hereditary factor XI deficiency disease. Last evaluated: 2018-04-11. Review status: criteria provided, single submitter. Criteria: ACMG Guidelines, 2015. Collection method: clinical testing. Allele origin: paternal. Affected: yes.
Comment: This variant was determined to be of uncertain significance according to ACMG Guidelines, 2015 [PMID:25741868].

Illumina Laboratory Services, Illumina
Classification: Likely benign for Hereditary factor XI deficiency disease. Last evaluated: 2017-04-27. Review status: criteria provided, single submitter. Criteria: ICSL Variant Classification Criteria 13 December 2019. Collection method: clinical testing. Allele origin: germline.
Comment: This variant was observed as part of a predisposition screen in an ostensibly healthy population. A literature search was performed for the gene, cDNA change, and amino acid change (where applicable). No publications were found based on this search. Allele frequency data from public databases allowed determination this variant is unlikely to cause disease. Therefore, this variant is classified as likely benign.

PreventionGenetics, part of Exact Sciences
Classification: Likely benign for F11-related condition. Last evaluated: 2024-03-06. Review status: no assertion criteria provided. Collection method: clinical testing. Allele origin: germline. Not counted in ClinVar's aggregate classification.
Comment: This variant is classified as likely benign based on ACMG/AMP sequence variant interpretation guidelines (Richards et al. 2015 PMID: 25741868, with internal and published modifications).

Natera, Inc.
Classification: Benign for Plasma factor XI deficiency. Last evaluated: 2019-08-23. Review status: no assertion criteria provided. Collection method: clinical testing. Allele origin: germline. Not counted in ClinVar's aggregate classification.